The following is an entry in ClinVar:

NM_001098.3(ACO2):c.1103C>T (p.Ala368Val)

Gene: ACO2 (aconitase 2; plus strand). Cytogenetic location: 22q13.2.
Variant type: single nucleotide variant.
Coding change: c.1103C>T on transcript NM_001098.3 (MANE Select); coding-DNA position 1103, C replaced by T.
Protein change: p.Ala368Val; replaces alanine 368 with valine.
Molecular consequence: missense variant.
Genome position (GRCh38, 1-based): chr22:41,520,241, C>T. VCF-style: chr22-41520241-C-T. GRCh37 (hg19) VCF-style: chr22-41916245-C-T.
Other names: short protein forms A368V.
Identifiers: ClinVar variation 2750686 (VCV002750686.3), dbSNP rs2066512326, ClinGen allele CA411724030.

ClinVar aggregate classification (germline): Uncertain significance (1 of 4 stars; one submission).

Allele frequency attached by ClinVar (database versions not stated): TOPMed below 0.00001; gnomAD 0.00001.
gnomAD v4.1: 1 of 1,613,854 alleles (0.000062%); highest among the groups gnomAD compares: Non-Finnish European, 0.000085%; no homozygotes.

Submission:

Labcorp Genetics (formerly Invitae), Labcorp
Classification: Uncertain significance. Last evaluated: 2023-08-06. Review status: criteria provided, single submitter. Criteria: Invitae Variant Classification Sherloc (09022015). Collection method: clinical testing. Allele origin: germline.
Comment: In summary, the available evidence is currently insufficient to determine the role of this variant in disease. Therefore, it has been classified as a Variant of Uncertain Significance. Advanced modeling of protein sequence and biophysical properties (such as structural, functional, and spatial information, amino acid conservation, physicochemical variation, residue mobility, and thermodynamic stability) performed at Invitae indicates that this missense variant is not expected to disrupt ACO2 protein function. This variant has not been reported in the literature in individuals affected with ACO2-related conditions. This variant is not present in population databases (gnomAD no frequency). This sequence change replaces alanine, which is neutral and non-polar, with valine, which is neutral and non-polar, at codon 368 of the ACO2 protein (p.Ala368Val).